The following is an entry in ClinVar:

NM_022773.4(LMF1):c.785T>C (p.Phe262Ser)

Gene: LMF1 (lipase maturation factor 1; minus strand). Cytogenetic location: 16p13.3.
Variant type: single nucleotide variant.
Coding change: c.785T>C on transcript NM_022773.4 (MANE Select); coding-DNA position 785, T replaced by C.
Protein change: p.Phe262Ser; replaces phenylalanine 262 with serine.
Molecular consequence: missense variant. On other transcripts: non-coding transcript variant (1).
Genome position (GRCh38, 1-based): chr16:879,682, A>G on the plus strand (T>C on the coding strand, the complement: LMF1 is on the minus strand). VCF-style: chr16-879682-A-G. GRCh37 (hg19) VCF-style: chr16-929682-A-G.
Other names: c.785T>C (NM_022773.2); c.134T>C, p.Phe45Ser (NM_001352017.2, NM_001352021.2); c.386T>C, p.Phe129Ser (NM_001352018.2); c.458T>C, p.Phe153Ser (NM_001352019.2); c.785T>C, p.Phe262Ser (NM_001352020.1); short protein forms F129S, F153S, F262S, F45S.
Identifiers: ClinVar variation 3893453 (VCV003893453.2).

ClinVar aggregate classification (germline): Uncertain significance. Review status: criteria provided, multiple submitters, no conflicts (2 of 4 stars). 2 submissions from 2 submitters: Uncertain significance (2). Last evaluated 2025-10-01.

Conditions:
Cardiovascular phenotype. Identifiers: MedGen CN230736.

gnomAD v4.1: 13 of 1,608,404 alleles (0.00081%); highest among the groups gnomAD compares: Non-Finnish European, 0.001%; no homozygotes.

Submissions (2):

Ambry Genetics
Classification: Uncertain significance for Cardiovascular phenotype. Last evaluated: 2025-10-01. Review status: criteria provided, single submitter. Criteria: Ambry Variant Classification Scheme 2023. Collection method: clinical testing. Allele origin: germline.
Comment: The p.F262S variant (also known as c.785T>C), located in coding exon 6 of the LMF1 gene, results from a T to C substitution at nucleotide position 785. The phenylalanine at codon 262 is replaced by serine, an amino acid with highly dissimilar properties. This amino acid position is conserved. In addition, the in silico prediction for this alteration is inconclusive. Based on the available evidence, the clinical significance of this variant remains unclear.

GeneDx
Classification: Uncertain significance. Last evaluated: 2024-10-25. Review status: criteria provided, single submitter. Criteria: GeneDx Variant Classification Process June 2021. Collection method: clinical testing. Allele origin: germline. Affected: yes.
Comment: Not observed at significant frequency in large population cohorts (gnomAD); In silico analysis supports that this missense variant has a deleterious effect on protein structure/function; Has not been previously published as pathogenic or benign to our knowledge